The following is an entry in ClinVar:

NM_005529.7(HSPG2):c.12842G>A (p.Arg4281His)

Genes: LDLRAD2 (low density lipoprotein receptor class A domain containing 2; plus strand), HSPG2 (heparan sulfate proteoglycan 2; minus strand). Cytogenetic location: 1p36.12.
Variant type: single nucleotide variant.
Coding change: c.12842G>A on transcript NM_005529.7 (MANE Select); coding-DNA position 12842, G replaced by A.
Protein change: p.Arg4281His; replaces arginine 4281 with histidine.
Molecular consequence: missense variant. On other transcripts: 3 prime UTR variant (1).
Genome position (GRCh38, 1-based): chr1:21,824,178, C>T on the plus strand (G>A on the coding strand, the complement: HSPG2 is on the minus strand). VCF-style: chr1-21824178-C-T. GRCh37 (hg19) VCF-style: chr1-22150671-C-T.
Other names: c.12845G>A, p.Arg4282His (NM_001291860.2); c.*1963C>T (NM_001013693.3); short protein forms R4281H, R4282H.
Identifiers: ClinVar variation 199235 (VCV000199235.21), dbSNP rs151184052, ClinGen allele CA203805.

ClinVar aggregate classification (germline): Benign/Likely benign. Review status: criteria provided, multiple submitters, no conflicts (2 of 4 stars). 8 submissions from 8 submitters: Benign (1); Likely benign (6). 1 of the submissions does not count toward it. Last evaluated 2026-01-04.

Conditions:
HSPG2-related disorder. Also called: HSPG2-related condition; HSPG2-related disorders.
Inborn genetic diseases. Identifiers: MedGen C0950123, MeSH D030342.

Allele frequency attached by ClinVar (database versions not stated): gnomAD exomes 0.00015 and 0.00045; ExAC 0.00061; gnomAD 0.00107 and 0.00118; TOPMed 0.00125; ESP Exome Variant Server 0.00161; 1000 Genomes Project 30x 0.00219; 1000 Genomes Project 0.00220.
gnomAD v4.1: 386 of 1,613,710 alleles (0.024%); highest among the groups gnomAD compares: African/African-American, 0.38%; 2 homozygotes.

Submissions (8):

Labcorp Genetics (formerly Invitae), Labcorp
Classification: Likely benign. Last evaluated: 2026-01-04. Review status: criteria provided, single submitter. Criteria: Invitae Variant Classification Sherloc (09022015). Collection method: clinical testing. Allele origin: germline.

Blueprint Genetics
Classification: Likely benign. Last evaluated: 2024-11-25. Review status: criteria provided, single submitter. Criteria: ACMG Guidelines, 2015. Collection method: clinical testing. Allele origin: germline.

ARUP Laboratories, Molecular Genetics and Genomics, ARUP Laboratories
Classification: Likely benign. Last evaluated: 2024-10-16. Review status: criteria provided, single submitter. Criteria: ARUP Molecular Germline Variant Investigation Process 2024. Collection method: clinical testing. Allele origin: germline.

Athena Diagnostics
Classification: Likely benign. Last evaluated: 2023-12-08. Review status: criteria provided, single submitter. Criteria: Athena Diagnostics Criteria. Collection method: clinical testing. Allele origin: unknown.

Ambry Genetics
Classification: Likely benign for Inborn genetic diseases. Last evaluated: 2022-02-18. Review status: criteria provided, single submitter. Criteria: Ambry Variant Classification Scheme 2023. Collection method: clinical testing. Allele origin: germline.

GeneDx
Classification: Benign. Last evaluated: 2019-05-31. Review status: criteria provided, single submitter. Criteria: GeneDx Variant Classification Process June 2021. Collection method: clinical testing. Allele origin: germline. Affected: yes.

Eurofins Ntd Llc (ga)
Classification: Likely benign. Last evaluated: 2015-06-01. Review status: criteria provided, single submitter. Criteria: EGL Classification Definitions 2015. Collection method: clinical testing. Allele origin: germline. Observed: 1 variant allele, 1 heterozygote.

PreventionGenetics, part of Exact Sciences
Classification: Likely benign for HSPG2-related condition. Last evaluated: 2022-06-27. Review status: no assertion criteria provided. Collection method: clinical testing. Allele origin: germline. Not counted in ClinVar's aggregate classification.
Comment: This variant is classified as likely benign based on ACMG/AMP sequence variant interpretation guidelines (Richards et al. 2015 PMID: 25741868, with internal and published modifications).